The following is an entry in ClinVar:

NM_001082538.3(TCTN1):c.284C>T (p.Pro95Leu)

Gene: TCTN1 (tectonic family member 1; plus strand). Cytogenetic location: 12q24.11.
Variant type: single nucleotide variant.
Coding change: c.284C>T on transcript NM_001082538.3 (MANE Select); coding-DNA position 284, C replaced by T.
Protein change: p.Pro95Leu; replaces proline 95 with leucine.
Molecular consequence: missense variant. On other transcripts: 5 prime UTR variant (1), non-coding transcript variant (1).
Genome position (GRCh38, 1-based): chr12:110,619,899, C>T. VCF-style: chr12-110619899-C-T. GRCh37 (hg19) VCF-style: chr12-111057704-C-T.
Other names: c.284C>T, p.Pro95Leu (NM_001082537.3, NM_001319680.2, NM_024549.6); c.116C>T, p.Pro39Leu (NM_001173975.3, NM_001319682.3); c.104C>T, p.Pro35Leu (NM_001173976.2); c.-424C>T (NM_001319681.2); short protein forms P35L, P95L, P39L.
Identifiers: ClinVar variation 2141775 (VCV002141775.1), dbSNP rs1429009528, ClinGen allele CA386701409.
Genomic context (GRCh38, chr12:110,619,899, plus strand): 5'-CTGTTCTCTGTGTCTGTGACTTATCCCCAGCACAGTGTGACATCAACTGCTGCTGTGATC[C>T]CGACTGCAGCTCCGTGGATTTCAGTGTCTTTTCTGCCTGCTCAGTTCCAGTTGTCACGTA-3'
Protein context (NP_001076007.1, residues 85-105): AQCDINCCCD[Pro95Leu]DCSSVDFSVF

ClinVar aggregate classification (germline): Uncertain significance (1 of 4 stars; one submission).

Conditions:
Joubert syndrome. Also called: CEREBELLOPARENCHYMAL DISORDER IV; JOUBERT-BOLTSHAUSER SYNDROME; Familial aplasia of the vermis. Identifiers: Orphanet 475, MedGen C5979921, MONDO:0018772.
Meckel-Gruber syndrome. Also called: DYSENCEPHALIA SPLANCHNOCYSTICA; GRUBER SYNDROME; Dysencephalia splachnocystica. Identifiers: Orphanet 564, MedGen C0265215, MONDO:0018921.

Allele frequency attached by ClinVar (database versions not stated): gnomAD exomes 0.00001; gnomAD 0.00001.

Submission:

Labcorp Genetics (formerly Invitae), Labcorp
Classification: Uncertain significance for Joubert syndrome; Meckel-Gruber syndrome. Last evaluated: 2022-08-04. Review status: criteria provided, single submitter. Criteria: Invitae Variant Classification Sherloc (09022015). Collection method: clinical testing. Allele origin: germline.
Comment: This sequence change replaces proline, which is neutral and non-polar, with leucine, which is neutral and non-polar, at codon 95 of the TCTN1 protein (p.Pro95Leu). This variant is not present in population databases (gnomAD no frequency). This variant has not been reported in the literature in individuals affected with TCTN1-related conditions. Algorithms developed to predict the effect of missense changes on protein structure and function (SIFT, PolyPhen-2, Align-GVGD) all suggest that this variant is likely to be disruptive. In summary, the available evidence is currently insufficient to determine the role of this variant in disease. Therefore, it has been classified as a Variant of Uncertain Significance.